The following is an entry in ClinVar:

NM_001081.4(CUBN):c.4872C>T (p.Ile1624=)

Gene: CUBN (cubilin; minus strand). Cytogenetic location: 10p13.
Variant type: single nucleotide variant.
Coding change: c.4872C>T on transcript NM_001081.4 (MANE Select); coding-DNA position 4872, C replaced by T.
Protein change: p.Ile1624=; no amino-acid change (isoleucine 1624 retained).
Molecular consequence: synonymous variant.
Genome position (GRCh38, 1-based): chr10:16,952,373, G>A on the plus strand (C>T on the coding strand, the complement: CUBN is on the minus strand). VCF-style: chr10-16952373-G-A. GRCh37 (hg19) VCF-style: chr10-16994372-G-A.
Other names: p.Ile1624=.
Identifiers: ClinVar variation 299476 (VCV000299476.20), dbSNP rs114958584, ClinGen allele CA5424220.

ClinVar aggregate classification (germline): Benign. Review status: criteria provided, multiple submitters, no conflicts (2 of 4 stars). 5 submissions from 5 submitters: Benign (5). Last evaluated 2026-01-26.

Conditions:
Imerslund-Grasbeck syndrome. Also called: Megaloblastic anemia due to inborn errors of metabolism; Imerslund-Gräsbeck syndrome; ENTEROCYTE COBALAMIN MALABSORPTION; ENTEROCYTE INTRINSIC FACTOR RECEPTOR, DEFECT OF; PERNICIOUS ANEMIA, JUVENILE, DUE TO SELECTIVE INTESTINAL MALABSORPTION OF VITAMIN B12, WITH PROTEINURIA. Identifiers: Orphanet 35858, MedGen C4551825, MONDO:0009853.
Imerslund-Grasbeck syndrome type 1 (IGS1). Also called: Megaloblastic anemia 1, Finnish type; MEGALOBLASTIC ANEMIA, 1; Imerslund-Gräsbeck syndrome 1. Identifiers: MedGen C4016819, MONDO:0100156, OMIM 261100.

Allele frequency attached by ClinVar (database versions not stated): ESP Exome Variant Server 0.01069; 1000 Genomes Project 30x 0.01343; ExAC 0.00302; 1000 Genomes Project 0.01158; gnomAD exomes 0.00081 and 0.00225; gnomAD 0.00851 and 0.00910; TOPMed 0.00988.
gnomAD v4.1: 2,500 of 1,612,518 alleles (0.16%); highest among the groups gnomAD compares: African/African-American, 3%; 32 homozygotes.

Submissions (5):

Labcorp Genetics (formerly Invitae), Labcorp
Classification: Benign for Imerslund-Grasbeck syndrome. Last evaluated: 2026-01-26. Review status: criteria provided, single submitter. Criteria: Invitae Variant Classification Sherloc (09022015). Collection method: clinical testing. Allele origin: germline.

Mayo Clinic Laboratories, Mayo Clinic
Classification: Benign. Last evaluated: 2024-12-31. Review status: criteria provided, single submitter. Criteria: ACMG Guidelines, 2015. Collection method: clinical testing. Allele origin: germline. Observed: 3 variant alleles.
Comment: BA1

GeneDx
Classification: Benign. Last evaluated: 2021-08-30. Review status: criteria provided, single submitter. Criteria: GeneDx Variant Classification Process June 2021. Collection method: clinical testing. Allele origin: germline. Affected: yes.

Illumina Laboratory Services, Illumina
Classification: Benign for Imerslund-Grasbeck syndrome type 1. Last evaluated: 2018-01-13. Review status: criteria provided, single submitter. Criteria: ICSL Variant Classification Criteria 13 December 2019. Collection method: clinical testing. Allele origin: germline.
Comment: This variant was observed in the ICSL laboratory as part of a predisposition screen in an ostensibly healthy population. It had not been previously curated by ICSL or reported in the Human Gene Mutation Database (HGMD: prior to June 1st, 2018), and was therefore a candidate for classification through an automated scoring system. Utilizing variant allele frequency, disease prevalence and penetrance estimates, and inheritance mode, an automated score was calculated to assess if this variant is too frequent to cause the disease. Based on the score and internal cut-off values, a variant classified as benign is not then subjected to further curation. The score for this variant resulted in a classification of benign for this disease.

Breakthrough Genomics
Classification: Benign. Review status: criteria provided, single submitter. Criteria: ACMG Guidelines, 2015. Collection method: not provided. Allele origin: germline. Inheritance: Autosomal recessive inheritance. Affected: yes.